The following is an entry in ClinVar:

NM_001278716.2(FBXL4):c.125G>A (p.Ser42Asn)

Gene: FBXL4 (F-box and leucine rich repeat protein 4; minus strand). Cytogenetic location: 6q16.2.
Variant type: single nucleotide variant.
Coding change: c.125G>A on transcript NM_001278716.2 (MANE Select); coding-DNA position 125, G replaced by A.
Protein change: p.Ser42Asn; replaces serine 42 with asparagine.
Molecular consequence: missense variant. On other transcripts: non-coding transcript variant (2).
Genome position (GRCh38, 1-based): chr6:98,926,864, C>T on the plus strand (G>A on the coding strand, the complement: FBXL4 is on the minus strand). VCF-style: chr6-98926864-C-T. GRCh37 (hg19) VCF-style: chr6-99374740-C-T.
Other names: c.125G>A (NM_012160.3); c.125G>A, p.Ser42Asn (NM_012160.5); short protein forms S42N.
Identifiers: ClinVar variation 437539 (VCV000437539.2), dbSNP rs750080180, ClinGen allele CA3933733.

ClinVar aggregate classification (germline): Conflicting classifications of pathogenicity. Review status: criteria provided, conflicting classifications (1 of 4 stars). 2 submissions from 2 submitters: Uncertain significance (1); Likely benign (1). Last evaluated 2024-12-18.

Conditions:
Inborn genetic diseases. Identifiers: MedGen C0950123, MeSH D030342.
Mitochondrial DNA depletion syndrome 13. Also called: FBXL4-Related Encephalomyopathic Mitochondrial DNA Depletion Syndrome; Mitochondrial DNA depletion syndrome 13 (encephalomyopathic type). Identifiers: Orphanet 369897, MedGen C3809592, MONDO:0014198, OMIM 615471.

Allele frequency attached by ClinVar (database versions not stated): gnomAD 0.00008 and 0.00007; gnomAD exomes 0.00001; TOPMed 0.00006; ExAC 0.00001.
gnomAD v4.1: 24 of 1,614,084 alleles (0.0015%); highest among the groups gnomAD compares: African/African-American, 0.024%; no homozygotes.

Submissions (2):

Ambry Genetics
Classification: Likely benign for Inborn genetic diseases. Last evaluated: 2024-12-18. Review status: criteria provided, single submitter. Criteria: Ambry Variant Classification Scheme 2023. Collection method: clinical testing. Allele origin: germline.

Wong Mito Lab, Molecular and Human Genetics, Baylor College of Medicine
Classification: Uncertain significance for Mitochondrial DNA depletion syndrome 13. Last evaluated: 2017-08-10. Review status: criteria provided, single submitter. Criteria: ACMG Guidelines, 2015. Collection method: reference population. Allele origin: germline.
Comment: The NM_012160.4:c.125G>A (NP_036292.2:p.Ser42Asn) [GRCH38: NC_000006.12:g.98926864C>T] variant in FBXL4 gene is interpretated to be a Uncertain Significance - Conflicting Evidence based on ACMG guidelines (PMID: 25741868). This variant meets one or more of the following evidence codes reported in the ACMG-guideline. PM2:This variant is absent in key population databases. BP4:Computational evidence/predictors indicate no impact on the FBXL4 structure, function, or protein-protein interaction. Based on this evidence code ClinGen Pathogenicity Calculator (PMID:28081714) suggested that the variant is Uncertain Significance - Conflicting Evidence.